The following is an entry in ClinVar:

ClinVar aggregate classification (germline): Uncertain significance (1 of 4 stars; one submission).

Conditions:
Familial hemophagocytic lymphohistiocytosis 5. Also called: STXBP2-Related Familial Hemophagocytic Lymphohistiocytosis (STXBP2-fHLH). Identifiers: Orphanet 540, MedGen C2751293, MONDO:0013135, OMIM 613101.

Submission:

Labcorp Genetics (formerly Invitae), Labcorp
Classification: Uncertain significance for Familial hemophagocytic lymphohistiocytosis 5. Last evaluated: 2025-01-19. Review status: criteria provided, single submitter. Criteria: Invitae Variant Classification Sherloc (09022015). Collection method: clinical testing. Allele origin: germline.
Comment: This sequence change replaces glutamic acid, which is acidic and polar, with lysine, which is basic and polar, at codon 484 of the STXBP2 protein (p.Glu484Lys). This variant is not present in population databases (gnomAD no frequency). This variant has not been reported in the literature in individuals affected with STXBP2-related conditions. Invitae Evidence Modeling of protein sequence and biophysical properties (such as structural, functional, and spatial information, amino acid conservation, physicochemical variation, residue mobility, and thermodynamic stability) has been performed for this missense variant. However, the output from this modeling did not meet the statistical confidence thresholds required to predict the impact of this variant on STXBP2 protein function. In summary, the available evidence is currently insufficient to determine the role of this variant in disease. Therefore, it has been classified as a Variant of Uncertain Significance.

NM_006949.4(STXBP2):c.1450G>A (p.Glu484Lys)

Gene: STXBP2 (syntaxin binding protein 2; plus strand). Cytogenetic location: 19p13.2.
Variant type: single nucleotide variant.
Coding change: c.1450G>A on transcript NM_006949.4 (MANE Select); coding-DNA position 1450, G replaced by A.
Protein change: p.Glu484Lys; replaces glutamic acid 484 with lysine.
Molecular consequence: missense variant. On other transcripts: non-coding transcript variant (1).
Genome position (GRCh38, 1-based): chr19:7,646,342, G>A. VCF-style: chr19-7646342-G-A. GRCh37 (hg19) VCF-style: chr19-7711228-G-A.
Other names: c.1441G>A, p.Glu481Lys (NM_001127396.3); c.1483G>A, p.Glu495Lys (NM_001272034.2); c.1354G>A, p.Glu452Lys (NM_001414484.1); short protein forms E452K, E481K, E484K, E495K.
Identifiers: ClinVar variation 3720655 (VCV003720655.2).
Genomic context (GRCh38, chr19:7,646,342, plus strand): 5'-GAACGCATGGAGCCCACCTATCAGCTGTCCCGCTGGACCCCGGTCATCAAGGATGTAATG[G>A]AGGTACTGGGTGGCAGGTCAGGGTGGGGGCCAGCCCTCCGCATCGGCTGGCGGCTCAGCC-3'
Protein context (NP_008880.2, residues 474-494): RWTPVIKDVM[Glu484Lys]DAVEDRLDRN